The following is an entry in ClinVar:

NM_001267550.2(TTN):c.47380G>A (p.Val15794Ile)

Genes: TTN-AS1 (TTN antisense RNA 1; plus strand), TTN (titin; minus strand). Cytogenetic location: 2q31.2.
Variant type: single nucleotide variant.
Coding change: c.47380G>A on transcript NM_001267550.2 (MANE Select); coding-DNA position 47380, G replaced by A.
Protein change: p.Val15794Ile; replaces valine 15794 with isoleucine.
Molecular consequence: missense variant.
Genome position (GRCh38, 1-based): chr2:178,617,971, C>T on the plus strand (G>A on the coding strand, the complement: TTN is on the minus strand). VCF-style: chr2-178617971-C-T. GRCh37 (hg19) VCF-style: chr2-179482698-C-T.
Other names: c.39676G>A, p.Val13226Ile (NM_133378.4); c.42457G>A, p.Val14153Ile (NM_001256850.1); c.20185G>A, p.Val6729Ile (NM_003319.4); c.20560G>A, p.Val6854Ile (NM_133432.3); c.20761G>A, p.Val6921Ile (NM_133437.4); short protein forms V13226I, V15794I, V6729I, V14153I, V6854I, V6921I.
Identifiers: ClinVar variation 179458 (VCV000179458.7), dbSNP rs727504878, ClinGen allele CA184456.

ClinVar aggregate classification (germline): Conflicting classifications of pathogenicity. Review status: criteria provided, conflicting classifications (1 of 4 stars). 2 submissions from 2 submitters: Uncertain significance (1); Likely benign (1). Last evaluated 2017-10-10.

Conditions:
Dilated cardiomyopathy 1G (CMD1G). Identifiers: Orphanet 154, MedGen C1858763, MONDO:0011400, OMIM 604145.
Autosomal recessive limb-girdle muscular dystrophy type 2J (LGMDR10). Also called: Limb-girdle muscular dystrophy, type 2J; MUSCULAR DYSTROPHY, LIMB-GIRDLE, AUTOSOMAL RECESSIVE 10. Identifiers: Orphanet 140922, MedGen C1837342, MONDO:0012127, OMIM 608807.

Allele frequency attached by ClinVar (database versions not stated): gnomAD 0.00001 and 0.00004; TOPMed 0.00002; gnomAD exomes 0.00007 and 0.00011; ExAC 0.00012.
gnomAD v4.1: 104 of 1,612,452 alleles (0.0064%); highest among the groups gnomAD compares: South Asian, 0.099%; no homozygotes.

Submissions (2):

Labcorp Genetics (formerly Invitae), Labcorp
Classification: Uncertain significance for Dilated cardiomyopathy 1G; Autosomal recessive limb-girdle muscular dystrophy type 2J. Last evaluated: 2017-10-10. Review status: criteria provided, single submitter. Criteria: Invitae Variant Classification Sherloc (09022015). Collection method: clinical testing. Allele origin: germline.

Laboratory for Molecular Medicine, Mass General Brigham Personalized Medicine
Classification: Likely benign. Last evaluated: 2013-12-26. Review status: criteria provided, single submitter. Criteria: LMM Criteria. Collection method: clinical testing. Allele origin: germline. Observed: 1 variant allele.
Comment: Val13226Ile in exon 202 of TTN: This variant is not expected to have clinical si gnificance due to a lack of conservation across species, including mammals. Of n ote, more than 10 mammals have an isoleucine (Ile) at this position despite high nearby amino acid conservation. In addition, computational analyses (AlignGVGD, PolyPhen2, SIFT) do not suggest a high likelihood of impact to the protein.